The following is an entry in ClinVar:

NM_001130009.3(GEN1):c.566G>T (p.Ser189Ile)

Gene: GEN1 (GEN1 structure-specific endonuclease; plus strand). Cytogenetic location: 2p24.2.
Variant type: single nucleotide variant.
Coding change: c.566G>T on transcript NM_001130009.3 (MANE Select); coding-DNA position 566, G replaced by T.
Protein change: p.Ser189Ile; replaces serine 189 with isoleucine.
Molecular consequence: missense variant.
Genome position (GRCh38, 1-based): chr2:17,766,619, G>T. VCF-style: chr2-17766619-G-T. GRCh37 (hg19) VCF-style: chr2-17947886-G-T.
Other names: c.566G>T, p.Ser189Ile (NM_182625.5); short protein forms S189I.
Identifiers: ClinVar variation 4842197 (VCV004842197.1).
Genomic context (GRCh38, chr2:17,766,619, plus strand): 5'-TAAATCTGTTCTTTCTTTAGGACCCACATGTTGACTGTTACACAATGTCATCTATCAAGA[G>T]TAAACTAGGTTTGGATAGAGATGCTCTGGTTGGATTAGCAATACTTCTTGGCTGTGATTA-3'
Protein context (NP_001123481.3, residues 179-199): VDCYTMSSIK[Ser189Ile]KLGLDRDALV

ClinVar aggregate classification (germline): Uncertain significance (1 of 4 stars; one submission).

Submission:

Ambry Genetics
Classification: Uncertain significance. Last evaluated: 2025-12-23. Review status: criteria provided, single submitter. Criteria: Ambry Variant Classification Scheme 2023. Collection method: clinical testing. Allele origin: germline.
Comment: The p.S189I variant (also known as c.566G>T), located in coding exon 4 of the GEN1 gene, results from a G to T substitution at nucleotide position 566. The serine at codon 189 is replaced by isoleucine, an amino acid with dissimilar properties. This amino acid position is conserved. In addition, this alteration is predicted to be tolerated by in silico analysis. Based on the available evidence, the clinical significance of this variant remains unclear.